The following is an entry in ClinVar:

ClinVar aggregate classification (germline): Uncertain significance (1 of 4 stars; one submission).

Conditions:
Arrhythmogenic cardiomyopathy with wooly hair and keratoderma. Also called: PALMOPLANTAR KERATODERMA WITH LEFT VENTRICULAR CARDIOMYOPATHY AND WOOLLY HAIR; Carvajal syndrome; Dilated cardiomyopathy with woolly hair and keratoderma; Arrhythmogenic cardiomyopathy with woolly hair and keratoderma. Identifiers: Orphanet 65282, MedGen C1854063, MONDO:0011581, OMIM 605676.

Submission:

All of Us Research Program, National Institutes of Health
Classification: Uncertain significance for Arrhythmogenic cardiomyopathy with wooly hair and keratoderma. Last evaluated: 2023-05-08. Review status: criteria provided, single submitter. Criteria: ACMG Guidelines, 2015. Collection method: clinical testing. Allele origin: germline. Inheritance: Autosomal dominant inheritance. Observed: 1 variant allele, 1 heterozygote.
Comment: This study involves interpretation of variants in research participants for the purpose of population health screening. Participant phenotype was not available at the time of variant classification. Additional details can be found in publication PMID: 35346344, PMCID: PMC8962531

NM_004415.4(DSP):c.1370G>A (p.Ser457Asn)

Gene: DSP (desmoplakin; plus strand). Cytogenetic location: 6p24.3.
Variant type: single nucleotide variant.
Coding change: c.1370G>A on transcript NM_004415.4 (MANE Select); coding-DNA position 1370, G replaced by A.
Protein change: p.Ser457Asn; replaces serine 457 with asparagine.
Molecular consequence: missense variant.
Genome position (GRCh38, 1-based): chr6:7,568,540, G>A. VCF-style: chr6-7568540-G-A. GRCh37 (hg19) VCF-style: chr6-7568773-G-A.
Other names: c.1370G>A, p.Ser457Asn (NM_001008844.3, NM_001319034.2, NM_001406591.1); short protein forms S457N.
Identifiers: ClinVar variation 3070921 (VCV003070921.1), dbSNP rs2533884376, ClinGen allele CA362676592.